The following is an entry in ClinVar:

ClinVar aggregate classification (germline): Uncertain significance. Review status: criteria provided, multiple submitters, no conflicts (2 of 4 stars). 2 submissions from 2 submitters: Uncertain significance (2). Last evaluated 2025-03-11.

Allele frequency attached by ClinVar (database versions not stated): gnomAD exomes below 0.00001.
gnomAD v4.1: 2 of 1,611,608 alleles (0.00012%); highest among the groups gnomAD compares: Non-Finnish European, 0.00017%; no homozygotes.

Submissions (2):

Labcorp Genetics (formerly Invitae), Labcorp
Classification: Uncertain significance. Last evaluated: 2025-03-11. Review status: criteria provided, single submitter. Criteria: Invitae Variant Classification Sherloc (09022015). Collection method: clinical testing. Allele origin: germline.
Comment: This sequence change replaces proline, which is neutral and non-polar, with leucine, which is neutral and non-polar, at codon 1208 of the RAI1 protein (p.Pro1208Leu). This variant is not present in population databases (gnomAD no frequency). This variant has not been reported in the literature in individuals affected with RAI1-related conditions. ClinVar contains an entry for this variant (Variation ID: 2501381). Invitae Evidence Modeling of protein sequence and biophysical properties (such as structural, functional, and spatial information, amino acid conservation, physicochemical variation, residue mobility, and thermodynamic stability) indicates that this missense variant is not expected to disrupt RAI1 protein function with a negative predictive value of 80%. In summary, the available evidence is currently insufficient to determine the role of this variant in disease. Therefore, it has been classified as a Variant of Uncertain Significance.

GeneDx
Classification: Uncertain significance. Last evaluated: 2022-11-03. Review status: criteria provided, single submitter. Criteria: GeneDx Variant Classification Process June 2021. Collection method: clinical testing. Allele origin: germline. Affected: yes.
Comment: Not observed at significant frequency in large population cohorts (gnomAD); In silico analysis supports that this missense variant does not alter protein structure/function; Has not been previously published as pathogenic or benign to our knowledge

NM_030665.4(RAI1):c.3623C>T (p.Pro1208Leu)

Gene: RAI1 (retinoic acid induced 1; plus strand). Cytogenetic location: 17p11.2.
Variant type: single nucleotide variant.
Coding change: c.3623C>T on transcript NM_030665.4 (MANE Select); coding-DNA position 3623, C replaced by T.
Protein change: p.Pro1208Leu; replaces proline 1208 with leucine.
Molecular consequence: missense variant.
Genome position (GRCh38, 1-based): chr17:17,796,571, C>T. VCF-style: chr17-17796571-C-T. GRCh37 (hg19) VCF-style: chr17-17699885-C-T.
Other names: short protein forms P1208L.
Identifiers: ClinVar variation 2501381 (VCV002501381.2), dbSNP rs2508587948, ClinGen allele CA398554603.